The following is an entry in ClinVar:

NM_020297.4(ABCC9):c.2212G>A (p.Glu738Lys)

Gene: ABCC9 (ATP binding cassette subfamily C member 9; minus strand). Cytogenetic location: 12p12.1.
Variant type: single nucleotide variant.
Coding change: c.2212G>A on transcript NM_020297.4 (MANE Select); coding-DNA position 2212, G replaced by A.
Protein change: p.Glu738Lys; replaces glutamic acid 738 with lysine.
Molecular consequence: missense variant.
Genome position (GRCh38, 1-based): chr12:21,864,464, C>T on the plus strand (G>A on the coding strand, the complement: ABCC9 is on the minus strand). VCF-style: chr12-21864464-C-T. GRCh37 (hg19) VCF-style: chr12-22017398-C-T.
Other names: c.2212G>A (NM_005691.2); c.2212G>A, p.Glu738Lys (NM_001377273.1, NM_005691.4); c.1348G>A, p.Glu450Lys (NM_001377274.1); short protein forms E738K, E450K.
Identifiers: ClinVar variation 806846 (VCV000806846.20), dbSNP rs202054255, ClinGen allele CA6481461.
Genomic context (GRCh38, chr12:21,864,464, plus strand): 5'-TTCTTATTAAACTCAGGTTAAAATAGAAATAATACCTTCTGGTTGCTTCAAAAGAAGGCT[C>T]AGATTCATTTACACTGCAAGTATGGCAAACAATGTTCATTAATTATGAAGTAGAAATATA-3'
Protein context (NP_064693.2, residues 728-748): KVHWSNVNES[Glu738Lys]PSFEATRSRN

ClinVar aggregate classification (germline): Uncertain significance. Review status: criteria provided, multiple submitters, no conflicts (2 of 4 stars). 2 submissions from 2 submitters: Uncertain significance (2). Last evaluated 2025-09-09.

Conditions:
Dilated cardiomyopathy 1O (CMD1O). Also called: CARDIOMYOPATHY, DILATED, WITH VENTRICULAR TACHYCARDIA. Identifiers: Orphanet 154, MedGen C1837839, MONDO:0012062, OMIM 608569.
Cardiovascular phenotype. Identifiers: MedGen CN230736.

Allele frequency attached by ClinVar (database versions not stated): gnomAD 0.00001; gnomAD exomes 0.00001; ExAC 0.00002; 1000 Genomes Project 30x 0.00016; 1000 Genomes Project 0.00020.
gnomAD v4.1: 14 of 1,593,764 alleles (0.00088%); highest among the groups gnomAD compares: Non-Finnish European, 0.0012%; no homozygotes.

Submissions (2):

Labcorp Genetics (formerly Invitae), Labcorp
Classification: Uncertain significance for Dilated cardiomyopathy 1O. Last evaluated: 2025-09-09. Review status: criteria provided, single submitter. Criteria: Invitae Variant Classification Sherloc (09022015). Collection method: clinical testing. Allele origin: germline.
Comment: This sequence change replaces glutamic acid, which is acidic and polar, with lysine, which is basic and polar, at codon 738 of the ABCC9 protein (p.Glu738Lys). This variant is present in population databases (rs202054255, gnomAD 0.002%). This variant has not been reported in the literature in individuals affected with ABCC9-related conditions. ClinVar contains an entry for this variant (Variation ID: 806846). Invitae Evidence Modeling of protein sequence and biophysical properties (such as structural, functional, and spatial information, amino acid conservation, physicochemical variation, residue mobility, and thermodynamic stability) indicates that this missense variant is not expected to disrupt ABCC9 protein function with a negative predictive value of 80%. Algorithms developed to predict the effect of sequence changes on RNA splicing suggest that this variant may disrupt the consensus splice site. In summary, the available evidence is currently insufficient to determine the role of this variant in disease. Therefore, it has been classified as a Variant of Uncertain Significance.

Ambry Genetics
Classification: Uncertain significance for Cardiovascular phenotype. Last evaluated: 2025-02-05. Review status: criteria provided, single submitter. Criteria: Ambry Variant Classification Scheme 2023. Collection method: clinical testing. Allele origin: germline.
Comment: The p.E738K variant (also known as c.2212G>A), located in coding exon 17 of the ABCC9 gene, results from a G to A substitution at nucleotide position 2212. The glutamic acid at codon 738 is replaced by lysine, an amino acid with similar properties. This amino acid position is highly conserved in available vertebrate species. In addition, the in silico prediction for this alteration is inconclusive. Based on the available evidence, the clinical significance of this variant remains unclear.